The following is an entry in ClinVar:

NM_024577.4(SH3TC2):c.2036T>G (p.Leu679Arg)

Gene: SH3TC2 (SH3 domain and tetratricopeptide repeats 2; minus strand). Cytogenetic location: 5q32.
Variant type: single nucleotide variant.
Coding change: c.2036T>G on transcript NM_024577.4 (MANE Select); coding-DNA position 2036, T replaced by G.
Protein change: p.Leu679Arg; replaces leucine 679 with arginine.
Molecular consequence: missense variant.
Genome position (GRCh38, 1-based): chr5:149,027,696, A>C on the plus strand (T>G on the coding strand, the complement: SH3TC2 is on the minus strand). VCF-style: chr5-149027696-A-C. GRCh37 (hg19) VCF-style: chr5-148407259-A-C.
Other names: p.Leu679Arg; short protein forms L679R.
Identifiers: ClinVar variation 916950 (VCV000916950.3), dbSNP rs1754096264, ClinGen allele CA361667214.

ClinVar aggregate classification (germline): Uncertain significance. Review status: criteria provided, multiple submitters, no conflicts (2 of 4 stars). 3 submissions from 3 submitters: Uncertain significance (3). Last evaluated 2025-05-11.

Conditions:
Charcot-Marie-Tooth disease. Also called: Charcot-Marie-Tooth Hereditary Neuropathy; Charcot-Marie-Tooth Neuropathy. Identifiers: Orphanet 166, MedGen C0007959, MONDO:0015626.

Submissions (3):

Mayo Clinic Laboratories, Mayo Clinic
Classification: Uncertain significance. Last evaluated: 2025-05-11. Review status: criteria provided, single submitter. Criteria: ACMG Guidelines, 2015. Collection method: clinical testing. Allele origin: germline. Observed: 1 variant allele.
Comment: PP3, PM2_supporting

Women's Health and Genetics/Laboratory Corporation of America, LabCorp
Classification: Uncertain significance. Last evaluated: 2024-08-02. Review status: criteria provided, single submitter. Criteria: LabCorp Variant Classification Summary - May 2015. Collection method: clinical testing. Allele origin: germline.
Comment: Variant summary: SH3TC2 c.2036T>G (p.Leu679Arg) results in a non-conservative amino acid change in the encoded protein sequence. Five of five in-silico tools predict a damaging effect of the variant on protein function. The variant was absent in 251260 control chromosomes. The available data on variant occurrences in the general population are insufficient to allow any conclusion about variant significance. To our knowledge, no occurrence of c.2036T>G in individuals affected with Charcot-Marie Disease Type 4C and no experimental evidence demonstrating its impact on protein function have been reported. ClinVar contains an entry for this variant (Variation ID: 916950). Based on the evidence outlined above, the variant was classified as uncertain significance.

Molecular Genetics Laboratory, London Health Sciences Centre
Classification: Uncertain significance for Charcot-Marie-Tooth disease. Review status: criteria provided, single submitter. Criteria: ACMG Guidelines, 2015. Collection method: clinical testing. Allele origin: germline. Affected: yes.